The following is an entry in ClinVar:

ClinVar aggregate classification (germline): Conflicting classifications of pathogenicity. Review status: criteria provided, conflicting classifications (1 of 4 stars). 3 submissions from 3 submitters: Uncertain significance (1); Likely benign (1). 1 of the submissions does not count toward it. Last evaluated 2026-01-19.

Conditions:
Glycogen storage disease type III (GSD3). Also called: Cori disease; FORBES DISEASE. Identifiers: Orphanet 366, MedGen C0017922, MONDO:0009291, OMIM 232400.

Allele frequency attached by ClinVar (database versions not stated): gnomAD exomes 0.00002 and 0.00007; ExAC 0.00009; ESP Exome Variant Server 0.00015; gnomAD 0.00027 and 0.00031; TOPMed 0.00033.
gnomAD v4.1: 77 of 1,611,624 alleles (0.0048%); highest among the groups gnomAD compares: African/African-American, 0.085%; no homozygotes.

Submissions (3):

Labcorp Genetics (formerly Invitae), Labcorp
Classification: Likely benign for Glycogen storage disease type III. Last evaluated: 2026-01-19. Review status: criteria provided, single submitter. Criteria: Invitae Variant Classification Sherloc (09022015). Collection method: clinical testing. Allele origin: germline.

Mayo Clinic Laboratories, Mayo Clinic
Classification: Uncertain significance. Last evaluated: 2023-05-23. Review status: criteria provided, single submitter. Criteria: ACMG Guidelines, 2015. Collection method: clinical testing. Allele origin: germline. Observed: 1 variant allele.
Comment: BP4

Natera, Inc.
Classification: Uncertain significance for Glycogen storage disease type III. Last evaluated: 2019-10-28. Review status: no assertion criteria provided. Collection method: clinical testing. Allele origin: germline. Not counted in ClinVar's aggregate classification.

NM_000642.3(AGL):c.1333A>G (p.Met445Val)

Gene: AGL (amylo-alpha-1,6-glucosidase and 4-alpha-glucanotransferase; plus strand). Cytogenetic location: 1p21.2.
Variant type: single nucleotide variant.
Coding change: c.1333A>G on transcript NM_000642.3 (MANE Select); coding-DNA position 1333, A replaced by G.
Protein change: p.Met445Val; replaces methionine 445 with valine.
Molecular consequence: missense variant.
Genome position (GRCh38, 1-based): chr1:99,876,507, A>G. VCF-style: chr1-99876507-A-G. GRCh37 (hg19) VCF-style: chr1-100342063-A-G.
Other names: p.Met445Val; c.1333A>G, p.Met445Val (NM_000028.3, NM_000643.3, NM_000644.3 and 2 more transcripts); c.1285A>G, p.Met429Val (NM_000646.3); c.1132A>G, p.Met378Val (NM_001425327.1); c.1129A>G, p.Met377Val (NM_001425328.1, NM_001425329.1); c.955A>G, p.Met319Val (NM_001425332.1); short protein forms M445V, M429V, M319V, M377V, M378V.
Identifiers: ClinVar variation 526590 (VCV000526590.14), dbSNP rs140375476, ClinGen allele CA966464.